The following is an entry in ClinVar:

ClinVar aggregate classification (germline): Pathogenic (1 of 4 stars; one submission).

Conditions:
Intellectual developmental disorder, autosomal dominant 50, with behavioral abnormalities. Also called: MENTAL RETARDATION, AUTOSOMAL DOMINANT 50; Intellectual disability, autosomal dominant 50. Identifiers: MedGen C4540470, MONDO:0030916, OMIM 617787.

Submission:

Human Genetics Bochum, Ruhr University Bochum
Classification: Pathogenic for Intellectual developmental disorder, autosomal dominant 50, with behavioral abnormalities. Last evaluated: 2026-04-01. Review status: criteria provided, single submitter. Criteria: ACMG Guidelines, 2015. Collection method: clinical testing. Allele origin: germline. Affected: yes.
Comment: de novo; ACMG criteria used to clasify this variant: PVS1, PS2, PM2_SUP

NM_057175.5(NAA15):c.692-1G>A

Gene: NAA15 (N-alpha-acetyltransferase 15, NatA auxiliary subunit; plus strand). Cytogenetic location: 4q31.1.
Variant type: single nucleotide variant.
Coding change: c.692-1G>A on transcript NM_057175.5 (MANE Select); the canonical splice acceptor site of the intron before coding-DNA position 692, G replaced by A.
Molecular consequence: splice acceptor variant.
Genome position (GRCh38, 1-based): chr4:139,349,461, G>A. VCF-style: chr4-139349461-G-A. GRCh37 (hg19) VCF-style: chr4-140270615-G-A.
Other names: c.692-1G>A (NM_001410842.1).
Identifiers: ClinVar variation 4876764 (VCV004876764.1).